The following is an entry in ClinVar:

NM_000255.4(MMUT):c.1031C>G (p.Ser344Cys)

Gene: MMUT (methylmalonyl-CoA mutase; minus strand). Cytogenetic location: 6p12.3.
Variant type: single nucleotide variant.
Coding change: c.1031C>G on transcript NM_000255.4 (MANE Select); coding-DNA position 1031, C replaced by G.
Protein change: p.Ser344Cys; replaces serine 344 with cysteine.
Molecular consequence: missense variant.
Genome position (GRCh38, 1-based): chr6:49,453,637, G>C on the plus strand (C>G on the coding strand, the complement: MMUT is on the minus strand). VCF-style: chr6-49453637-G-C. GRCh37 (hg19) VCF-style: chr6-49421350-G-C.
Other names: short protein forms S344C.
Identifiers: ClinVar variation 1003001 (VCV001003001.5), dbSNP rs762281578, ClinGen allele CA3846981.
Genomic context (GRCh38, chr6:49,453,637, plus strand): 5'-ATACATACCTGCTCAGTAAGTGACCATCCAGATGTCTGACAGTGTGCTCTTAGAAGAAGA[G>C]ATTTTGAGTTTTTAGGCTGAAACATTTTCTCTATTAAGTGAGCCCAGAGTCTTCTACCAG-3'
Protein context (NP_000246.2, residues 334-354): EKMFQPKNSK[Ser344Cys]LLLRAHCQTS

ClinVar aggregate classification (germline): Uncertain significance. Review status: criteria provided, single submitter (1 of 4 stars). 2 submissions from 2 submitters: Uncertain significance (1). 1 of the submissions does not count toward it. Last evaluated 2022-01-19.

Conditions:
Methylmalonic aciduria due to complete methylmalonyl-CoA mutase deficiency.

Allele frequency attached by ClinVar (database versions not stated): gnomAD exomes below 0.00001; ExAC 0.00001; gnomAD 0.00002; TOPMed 0.00002.
gnomAD v4.1: 8 of 1,612,962 alleles (0.0005%); highest among the groups gnomAD compares: Admixed American, 0.005%; no homozygotes.

Submissions (2):

Labcorp Genetics (formerly Invitae), Labcorp
Classification: Uncertain significance. Last evaluated: 2022-01-19. Review status: criteria provided, single submitter. Criteria: Invitae Variant Classification Sherloc (09022015). Collection method: clinical testing. Allele origin: germline.
Comment: This sequence change replaces serine, which is neutral and polar, with cysteine, which is neutral and slightly polar, at codon 344 of the MUT protein (p.Ser344Cys). This variant is not present in population databases (gnomAD no frequency). This variant has not been reported in the literature in individuals affected with MUT-related conditions. ClinVar contains an entry for this variant (Variation ID: 1003001). Algorithms developed to predict the effect of missense changes on protein structure and function are either unavailable or do not agree on the potential impact of this missense change (SIFT: "Deleterious"; PolyPhen-2: "Probably Damaging"; Align-GVGD: "Class C0"). In summary, the available evidence is currently insufficient to determine the role of this variant in disease. Therefore, it has been classified as a Variant of Uncertain Significance.

Natera, Inc.
Classification: Uncertain significance for Methylmalonic aciduria due to complete methylmalonyl-CoA mutase deficiency. Last evaluated: 2020-10-20. Review status: no assertion criteria provided. Collection method: clinical testing. Allele origin: germline. Not counted in ClinVar's aggregate classification.